The following is an entry in ClinVar:

NM_018838.5(NDUFA12):c.121dup (p.Glu41fs)

Gene: NDUFA12 (NADH:ubiquinone oxidoreductase subunit A12; minus strand). Cytogenetic location: 12q22.
Variant type: Duplication.
Coding change: c.121dup on transcript NM_018838.5 (MANE Select); coding-DNA position 121, one base duplicated (G; older notation c.121dupG).
Protein change: p.Glu41fs; shifts the reading frame from glutamic acid 41.
Molecular consequence: frameshift variant.
Genome position (GRCh38, 1-based): chr12:95,002,787, C duplicated on the plus strand (G on the coding strand, the reverse complement: NDUFA12 is on the minus strand); the first of 5 consecutive C bases (chr12:95,002,787-95,002,791); duplicating any one gives the same sequence. VCF-style (leftmost placement, unchanged base first): chr12-95002786-T-TC. GRCh37 (hg19) VCF-style: chr12-95396562-T-TC.
Other names: c.121dup, p.Glu41fs (NM_001258338.2); c.121dupG (NM_018838.5); short protein forms E41fs.
Identifiers: ClinVar variation 813938 (VCV000813938.2), dbSNP rs1592708249, ClinGen allele CA658820692.

ClinVar aggregate classification (germline): Uncertain significance. Review status: criteria provided, single submitter (1 of 4 stars). 2 submissions from 2 submitters: Uncertain significance (1). 1 of the submissions does not count toward it. Last evaluated 2018-12-03.

Conditions:
Leigh syndrome (NULS). Also called: Leigh's necrotizing encephalopathy; Leigh's disease; Leigh Syndrome (mtDNA deletion); LEIGH SYNDROME, NUCLEAR; Leigh's syndrome; Leigh Disease. Identifiers: Orphanet 506, MedGen C2931891, MONDO:0009723, OMIM 256000.
Mitochondrial complex I deficiency, nuclear type 23. Also called: Mitochondrial complex 1 deficiency, nuclear type 23. Identifiers: MedGen C4748799, MONDO:0032627, OMIM 618244.

Submissions (2):

Broad Center for Mendelian Genomics, Broad Institute of MIT and Harvard
Classification: Uncertain significance for Leigh syndrome. Last evaluated: 2018-12-03. Review status: criteria provided, single submitter. Criteria: ACMG Guidelines, 2015. Collection method: research. Allele origin: germline. Inheritance: Autosomal recessive inheritance. Affected: yes.
Comment: This variant was absent from large population studies. This variant is predicted to cause a frameshift, which alters the protein's amino acid sequence beginning at position 41 and leads to a premature termination codon 10 amino acids downstream. This alteration is then predicted to lead to a truncated or absent protein. A different variant (p.Arg60Ter) with a nonsense effect downstream of this variant was reported to be pathogenic in ClinVar by OMIM (Variation ID: 31207). However, loss of function of the NDUFA12 is not an established disease mechanism for Leigh syndrome based on the criteria laid out in Tayoun, 2018 (PMID: 30192042). In summary, while there is some suspicion for a pathogenic role, the clinical significance of this variant is uncertain. ACMG/AMP Criteria applied: PM2 (Richards 2015).

OMIM
Classification: Pathogenic for MITOCHONDRIAL COMPLEX I DEFICIENCY, NUCLEAR TYPE 23. Last evaluated: 2022-05-13. Review status: no assertion criteria provided. Collection method: literature only. Allele origin: germline. Not counted in ClinVar's aggregate classification.

Literature cited by the submitters: PubMed 35141356 (cited by OMIM).